The following is an entry in ClinVar:

NM_000702.4(ATP1A2):c.2449A>G (p.Ile817Val)

Gene: ATP1A2 (ATPase Na+/K+ transporting subunit alpha 2; plus strand). Cytogenetic location: 1q23.2.
Variant type: single nucleotide variant.
Coding change: c.2449A>G on transcript NM_000702.4 (MANE Select); coding-DNA position 2449, A replaced by G.
Protein change: p.Ile817Val; replaces isoleucine 817 with valine.
Molecular consequence: missense variant.
Genome position (GRCh38, 1-based): chr1:160,136,256, A>G. VCF-style: chr1-160136256-A-G. GRCh37 (hg19) VCF-style: chr1-160106046-A-G.
Other names: short protein forms I817V.
Identifiers: ClinVar variation 2968395 (VCV002968395.3), dbSNP rs1244618274, ClinGen allele CA343251118.

ClinVar aggregate classification (germline): Uncertain significance (1 of 4 stars; one submission).

Conditions:
Familial hemiplegic migraine. Identifiers: MedGen C0338484, MONDO:0000700.

Allele frequency attached by ClinVar (database versions not stated): gnomAD exomes below 0.00001; TOPMed below 0.00001; gnomAD 0.00001.
gnomAD v4.1: 2 of 1,613,986 alleles (0.00012%); highest among the groups gnomAD compares: Non-Finnish European, 0.00017%; no homozygotes.

Submission:

Labcorp Genetics (formerly Invitae), Labcorp
Classification: Uncertain significance for Familial hemiplegic migraine. Last evaluated: 2025-01-08. Review status: criteria provided, single submitter. Criteria: Invitae Variant Classification Sherloc (09022015). Collection method: clinical testing. Allele origin: germline.
Comment: This sequence change replaces isoleucine, which is neutral and non-polar, with valine, which is neutral and non-polar, at codon 817 of the ATP1A2 protein (p.Ile817Val). This variant is not present in population databases (gnomAD no frequency). This variant has not been reported in the literature in individuals affected with ATP1A2-related conditions. ClinVar contains an entry for this variant (Variation ID: 2968395). Invitae Evidence Modeling of protein sequence and biophysical properties (such as structural, functional, and spatial information, amino acid conservation, physicochemical variation, residue mobility, and thermodynamic stability) indicates that this missense variant is not expected to disrupt ATP1A2 protein function with a negative predictive value of 80%. In summary, the available evidence is currently insufficient to determine the role of this variant in disease. Therefore, it has been classified as a Variant of Uncertain Significance.